The following is an entry in ClinVar:

ClinVar aggregate classification (germline): Uncertain significance. Review status: criteria provided, multiple submitters, no conflicts (2 of 4 stars). 2 submissions from 2 submitters: Uncertain significance (2). Last evaluated 2024-10-25.

Conditions:
Acrocallosal syndrome (ACLS). Also called: Schinzel syndrome 1; Absence of corpus callosum with unusual facial appearance, mental deficiency, duplication of the halluces and polydactyly; HALLUX DUPLICATION, POSTAXIAL POLYDACTYLY, AND ABSENCE OF CORPUS CALLOSUM. Identifiers: Orphanet 36, MedGen C0796147, MONDO:0008708, OMIM 200990.
Inborn genetic diseases. Identifiers: MedGen C0950123, MeSH D030342.

Allele frequency attached by ClinVar (database versions not stated): TOPMed 0.00002; gnomAD 0.00004; 1000 Genomes Project 30x 0.00016; 1000 Genomes Project 0.00020.
gnomAD v4.1: 13 of 1,608,120 alleles (0.00081%); highest among the groups gnomAD compares: Admixed American, 0.017%; no homozygotes.

Submissions (2):

Labcorp Genetics (formerly Invitae), Labcorp
Classification: Uncertain significance for Acrocallosal syndrome. Last evaluated: 2024-10-25. Review status: criteria provided, single submitter. Criteria: Invitae Variant Classification Sherloc (09022015). Collection method: clinical testing. Allele origin: germline.
Comment: This sequence change replaces glutamic acid, which is acidic and polar, with lysine, which is basic and polar, at codon 726 of the KIF7 protein (p.Glu726Lys). The frequency data for this variant in the population databases is considered unreliable, as metrics indicate poor data quality at this position in the gnomAD database. This variant has not been reported in the literature in individuals affected with KIF7-related conditions. ClinVar contains an entry for this variant (Variation ID: 1420022). Invitae Evidence Modeling of protein sequence and biophysical properties (such as structural, functional, and spatial information, amino acid conservation, physicochemical variation, residue mobility, and thermodynamic stability) has been performed for this missense variant. However, the output from this modeling did not meet the statistical confidence thresholds required to predict the impact of this variant on KIF7 protein function. In summary, the available evidence is currently insufficient to determine the role of this variant in disease. Therefore, it has been classified as a Variant of Uncertain Significance.

Ambry Genetics
Classification: Uncertain significance for Inborn genetic diseases. Last evaluated: 2024-06-10. Review status: criteria provided, single submitter. Criteria: Ambry Variant Classification Scheme 2023. Collection method: clinical testing. Allele origin: germline.

NM_198525.3(KIF7):c.2176G>A (p.Glu726Lys)

Gene: KIF7 (kinesin family member 7; minus strand). Cytogenetic location: 15q26.1.
Variant type: single nucleotide variant.
Coding change: c.2176G>A on transcript NM_198525.3 (MANE Select); coding-DNA position 2176, G replaced by A.
Protein change: p.Glu726Lys; replaces glutamic acid 726 with lysine.
Molecular consequence: missense variant.
Genome position (GRCh38, 1-based): chr15:89,645,028, C>T on the plus strand (G>A on the coding strand, the complement: KIF7 is on the minus strand). VCF-style: chr15-89645028-C-T. GRCh37 (hg19) VCF-style: chr15-90188259-C-T.
Other names: c.2176G>A (NM_198525.2); short protein forms E726K.
Identifiers: ClinVar variation 1420022 (VCV001420022.7), dbSNP rs543188623, ClinGen allele CA7728301.
Genomic context (GRCh38, chr15:89,645,028, plus strand): 5'-GAAGTCCCCCTCGGGTGAGAGGCCCACCTGATGCCCACGCCTCACCTGTGCGGACCAGCT[C>T]GCCAATAAGCTCCTCCTTCATGCGGATGTTGATAGCCAGCTCCCGGATCTTCTGCTGGGC-3'
Protein context (NP_940927.2, residues 716-736): NIRMKEELIG[Glu726Lys]LVRTGKAAQA